The following is an entry in ClinVar:

NM_052945.4(TNFRSF13C):c.89G>A (p.Arg30His)

Genes: TNFRSF13C (TNF receptor superfamily member 13C; minus strand), LOC130067574 (ATAC-STARR-seq lymphoblastoid silent region 13813; plus strand). Cytogenetic location: 22q13.2.
Variant type: single nucleotide variant.
Coding change: c.89G>A on transcript NM_052945.4 (MANE Select); coding-DNA position 89, G replaced by A.
Protein change: p.Arg30His; replaces arginine 30 with histidine.
Molecular consequence: missense variant.
Genome position (GRCh38, 1-based): chr22:41,926,685, C>T on the plus strand (G>A on the coding strand, the complement: TNFRSF13C is on the minus strand). VCF-style: chr22-41926685-C-T. GRCh37 (hg19) VCF-style: chr22-42322689-C-T.
Other names: short protein forms R30H.
Identifiers: ClinVar variation 1018789 (VCV001018789.9), dbSNP rs1334352355, ClinGen allele CA411763637.

ClinVar aggregate classification (germline): Uncertain significance (1 of 4 stars; one submission).

Conditions:
Immunodeficiency, common variable, 4. Also called: ANTIBODY DEFICIENCY DUE TO BAFFR DEFECT. Identifiers: Orphanet 1572, Orphanet 696925, MedGen C3150739, MONDO:0013284, OMIM 613494.

Allele frequency attached by ClinVar (database versions not stated): gnomAD 0.00001; TOPMed 0.00003; gnomAD exomes below 0.00001.

Submission:

Labcorp Genetics (formerly Invitae), Labcorp
Classification: Uncertain significance for Immunodeficiency, common variable, 4. Last evaluated: 2024-06-25. Review status: criteria provided, single submitter. Criteria: Invitae Variant Classification Sherloc (09022015). Collection method: clinical testing. Allele origin: germline.
Comment: This sequence change replaces arginine, which is basic and polar, with histidine, which is basic and polar, at codon 30 of the TNFRSF13C protein (p.Arg30His). The frequency data for this variant in the population databases is considered unreliable, as metrics indicate poor data quality at this position in the gnomAD database. This variant has not been reported in the literature in individuals affected with TNFRSF13C-related conditions. ClinVar contains an entry for this variant (Variation ID: 1018789). An algorithm developed to predict the effect of missense changes on protein structure and function (PolyPhen-2) suggests that this variant is likely to be disruptive. In summary, the available evidence is currently insufficient to determine the role of this variant in disease. Therefore, it has been classified as a Variant of Uncertain Significance.